The following is an entry in ClinVar:

ClinVar aggregate classification (germline): Uncertain significance (1 of 4 stars; one submission).

gnomAD v4.1: 3 of 1,613,754 alleles (0.00019%); highest among the groups gnomAD compares: Non-Finnish European, 0.00025%; no homozygotes.

Submission:

Labcorp Genetics (formerly Invitae), Labcorp
Classification: Uncertain significance. Last evaluated: 2022-03-06. Review status: criteria provided, single submitter. Criteria: Invitae Variant Classification Sherloc (09022015). Collection method: clinical testing. Allele origin: germline.
Comment: In summary, the available evidence is currently insufficient to determine the role of this variant in disease. Therefore, it has been classified as a Variant of Uncertain Significance. Algorithms developed to predict the effect of missense changes on protein structure and function are either unavailable or do not agree on the potential impact of this missense change (SIFT: "Deleterious"; PolyPhen-2: "Probably Damaging"; Align-GVGD: "Class C0"). This variant has not been reported in the literature in individuals affected with CEP63-related conditions. This variant is not present in population databases (gnomAD no frequency). This sequence change replaces alanine, which is neutral and non-polar, with glycine, which is neutral and non-polar, at codon 683 of the CEP63 protein (p.Ala683Gly).

NM_001353108.3(CEP63):c.2048C>G (p.Ala683Gly)

Gene: CEP63 (centrosomal protein 63; plus strand). Cytogenetic location: 3q22.2.
Variant type: single nucleotide variant.
Coding change: c.2048C>G on transcript NM_001353108.3 (MANE Select); coding-DNA position 2048, C replaced by G.
Protein change: p.Ala683Gly; replaces alanine 683 with glycine.
Molecular consequence: missense variant. On other transcripts: non-coding transcript variant (4), intron variant (5).
Genome position (GRCh38, 1-based): chr3:134,561,471, C>G. VCF-style: chr3-134561471-C-G. GRCh37 (hg19) VCF-style: chr3-134280313-C-G.
Other names: c.1562C>G, p.Ala521Gly (NM_001042400.3, NM_001353110.1, NM_001353111.2 and 1 more transcripts); c.1910C>G, p.Ala637Gly (NM_001353109.1); c.1424C>G, p.Ala475Gly (NM_001042383.2, NM_001353119.2, NM_001353120.2 and 2 more transcripts); c.1451C>G, p.Ala484Gly (NM_001353118.1); c.1340C>G, p.Ala447Gly (NM_001353125.2); c.1061C>G, p.Ala354Gly (NM_001353126.2); c.2048C>G, p.Ala683Gly (NM_025180.5); c.1467+9459C>G (NM_001353113.1, NM_001353117.2); and 1 more; short protein forms A447G, A521G, A683G, A354G, A475G, A484G, A637G.
Identifiers: ClinVar variation 1902909 (VCV001902909.5), dbSNP rs766191456, ClinGen allele CA354634810.
Genomic context (GRCh38, chr3:134,561,471, plus strand): 5'-CTACCAGATTTTTGGAAGAGGAGGAACTGAGGTCTCATCACATTCTAGAGCGCTTGGATG[C>G]CCATATTGAAGAACTAAAAAGAGAGAGTGAAAAGACAGTGAGACAATTCACAGCCTTAAA-3'
Protein context (NP_001340037.1, residues 673-693): RSHHILERLD[Ala683Gly]HIEELKRESE